The following is an entry in ClinVar:

ClinVar aggregate classification (germline): Likely pathogenic (1 of 4 stars; one submission).

Conditions:
Stromme syndrome (STROMS). Also called: Strømme Syndrome; Ciliary dyskinesia, primary, 31; APPLE PEEL SYNDROME WITH MICROCEPHALY AND OCULAR ANOMALIES. Identifiers: Orphanet 444069, Orphanet 506307, MedGen C1855705, MONDO:0009477, OMIM 243605.

gnomAD v4.1: 1 of 1,614,140 alleles (0.000062%); highest among the groups gnomAD compares: East Asian, 0.0022%; no homozygotes.

Submission:

Juno Genomics, Hangzhou Juno Genomics, Inc
Classification: Likely pathogenic for Stromme syndrome. Review status: criteria provided, single submitter. Criteria: ACMG Guidelines, 2015. Collection method: clinical testing. Allele origin: germline.
Comment: Absent from controls (or at extremely low frequency if recessive) in Genome Aggregation Database.;Null variant in a gene where loss of function (LOF) is a known mechanism of disease.

NM_016343.4(CENPF):c.1390G>T (p.Glu464Ter)

Gene: CENPF (centromere protein F; plus strand). Cytogenetic location: 1q41.
Variant type: single nucleotide variant.
Coding change: c.1390G>T on transcript NM_016343.4 (MANE Select); coding-DNA position 1390, G replaced by T.
Protein change: p.Glu464Ter; replaces glutamic acid 464 with a stop codon.
Molecular consequence: nonsense.
Genome position (GRCh38, 1-based): chr1:214,632,546, G>T. VCF-style: chr1-214632546-G-T. GRCh37 (hg19) VCF-style: chr1-214805889-G-T.
Other names: short protein forms E464*.
Identifiers: ClinVar variation 5019588 (VCV005019588.2).